The following is an entry in ClinVar:

ClinVar aggregate classification (germline): Likely pathogenic (1 of 4 stars; one submission).

Conditions:
Poirier-Bienvenu neurodevelopmental syndrome (POBINDS). Identifiers: Orphanet 689397, MedGen C5231482, MONDO:0032889, OMIM 618732.

Submission:

MGZ Medical Genetics Center
Classification: Likely pathogenic for Poirier-Bienvenu neurodevelopmental syndrome. Last evaluated: 2022-07-14. Review status: criteria provided, single submitter. Criteria: ACMG Guidelines, 2015. Collection method: clinical testing. Allele origin: germline. Affected: yes. Observed: 1 variant allele.
Comment: ACMG criteria applied: PVS1, PM2_SUP

NM_001320.7(CSNK2B):c.99dup (p.Phe34fs)

Gene: CSNK2B (casein kinase 2 beta; plus strand). Cytogenetic location: 6p21.33.
Variant type: Duplication.
Coding change: c.99dup on transcript NM_001320.7 (MANE Select); coding-DNA position 99, one base duplicated (A; older notation c.99dupA).
Protein change: p.Phe34fs; shifts the reading frame from phenylalanine 34.
Molecular consequence: frameshift variant.
Genome position (GRCh38, 1-based): chr6:31,667,894, A duplicated; the last of 3 consecutive A bases (chr6:31,667,892-31,667,894); duplicating any one gives the same sequence. VCF-style (leftmost placement, unchanged base first): chr6-31667891-C-CA. GRCh37 (hg19) VCF-style: chr6-31635668-C-CA.
Other names: c.99dup, p.Phe34fs (NM_001282385.2); short protein forms F34fs.
Identifiers: ClinVar variation 1709608 (VCV001709608.2), dbSNP rs2536957939, ClinGen allele CA2580074263.